The following is an entry in ClinVar:

NM_016166.3(PIAS1):c.1499A>C (p.His500Pro)

Gene: PIAS1 (protein inhibitor of activated STAT 1; plus strand). Cytogenetic location: 15q23.
Variant type: single nucleotide variant.
Coding change: c.1499A>C on transcript NM_016166.3 (MANE Select); coding-DNA position 1499, A replaced by C.
Protein change: p.His500Pro; replaces histidine 500 with proline.
Molecular consequence: missense variant.
Genome position (GRCh38, 1-based): chr15:68,181,229, A>C. VCF-style: chr15-68181229-A-C. GRCh37 (hg19) VCF-style: chr15-68473567-A-C.
Other names: c.1499A>C (NM_016166.1); c.1505A>C, p.His502Pro (NM_001320687.1); short protein forms H502P, H500P.
Identifiers: ClinVar variation 2966223 (VCV002966223.4), dbSNP rs760481112, ClinGen allele CA272888759.
Genomic context (GRCh38, chr15:68,181,229, plus strand): 5'-TTAACTGGCTAATGAAAACTATGCCAATCTTTCCTTCTTCCAGCATTTTAAGTCTTCCAC[A>C]TCAAGCATCTCCAGTATCCCGCACCCCAAGCCTTCCTGCTGTAGACACAAGCTACATTAA-3'
Protein context (NP_057250.1, residues 490-510): LNNKGILSLP[His500Pro]QASPVSRTPS

ClinVar aggregate classification (germline): Uncertain significance. Review status: criteria provided, multiple submitters, no conflicts (2 of 4 stars). 2 submissions from 2 submitters: Uncertain significance (2). Last evaluated 2024-10-23.

Allele frequency attached by ClinVar (database versions not stated): TOPMed below 0.00001.
gnomAD v4.1: 4 of 1,613,468 alleles (0.00025%); highest among the groups gnomAD compares: Admixed American, 0.0017%; no homozygotes.

Submissions (2):

Ambry Genetics
Classification: Uncertain significance. Last evaluated: 2024-10-23. Review status: criteria provided, single submitter. Criteria: Ambry Variant Classification Scheme 2023. Collection method: clinical testing. Allele origin: germline.

Labcorp Genetics (formerly Invitae), Labcorp
Classification: Uncertain significance. Last evaluated: 2024-09-06. Review status: criteria provided, single submitter. Criteria: Invitae Variant Classification Sherloc (09022015). Collection method: clinical testing. Allele origin: germline.
Comment: This sequence change replaces histidine, which is basic and polar, with proline, which is neutral and non-polar, at codon 500 of the PIAS1 protein (p.His500Pro). This variant is present in population databases (no rsID available, gnomAD 0.003%). This variant has not been reported in the literature in individuals affected with PIAS1-related conditions. An algorithm developed to predict the effect of missense changes on protein structure and function (PolyPhen-2) suggests that this variant is likely to be tolerated. In summary, the available evidence is currently insufficient to determine the role of this variant in disease. Therefore, it has been classified as a Variant of Uncertain Significance.